The following is an entry in ClinVar:

NM_006000.3(TUBA4A):c.909A>G (p.Val303=)

Gene: TUBA4A (tubulin alpha 4a; minus strand). Cytogenetic location: 2q35.
Variant type: single nucleotide variant.
Coding change: c.909A>G on transcript NM_006000.3 (MANE Select); coding-DNA position 909, A replaced by G.
Protein change: p.Val303=; no amino-acid change (valine 303 retained).
Molecular consequence: synonymous variant.
Genome position (GRCh38, 1-based): chr2:219,250,790, T>C on the plus strand (A>G on the coding strand, the complement: TUBA4A is on the minus strand). VCF-style: chr2-219250790-T-C. GRCh37 (hg19) VCF-style: chr2-220115512-T-C.
Other names: p.Val303=; c.864A>G, p.Val288= (NM_001278552.2).
Identifiers: ClinVar variation 789160 (VCV000789160.37), dbSNP rs141922502, ClinGen allele CA2122405.

ClinVar aggregate classification (germline): Benign/Likely benign. Review status: criteria provided, multiple submitters, no conflicts (2 of 4 stars). 9 submissions from 9 submitters: Benign (4); Likely benign (1). 4 of the submissions do not count toward it. Last evaluated 2026-10-01.

Conditions:
TUBA4A-related disorder. Also called: TUBA4A-related condition.

Allele frequency attached by ClinVar (database versions not stated): 1000 Genomes Project 0.00180; 1000 Genomes Project 30x 0.00203; gnomAD 0.00400 and 0.00438; TOPMed 0.00431; gnomAD exomes 0.00449 and 0.00637; ESP Exome Variant Server 0.00477; ExAC 0.00479.

Submissions (9):

CeGaT Center for Human Genetics Tuebingen
Classification: Likely benign. Last evaluated: 2026-10-01. Review status: criteria provided, single submitter. Criteria: CeGaT Center For Human Genetics Tuebingen Variant Classification Criteria Version 2. Collection method: clinical testing. Allele origin: germline. Affected: yes. Observed: 17 variant alleles.
Comment: TUBA4A: BP4, BP7, BS2

Mayo Clinic Laboratories, Mayo Clinic
Classification: Benign. Last evaluated: 2022-12-27. Review status: criteria provided, single submitter. Criteria: ACMG Guidelines, 2015. Collection method: clinical testing. Allele origin: germline. Observed: 19 variant alleles.
Comment: BS1, BS2

GeneDx
Classification: Benign. Last evaluated: 2018-09-26. Review status: criteria provided, single submitter. Criteria: GeneDx Variant Classification Process June 2021. Collection method: clinical testing. Allele origin: germline. Affected: yes.

Labcorp Genetics (formerly Invitae), Labcorp
Classification: Benign. Last evaluated: 2018-05-26. Review status: criteria provided, single submitter. Criteria: Invitae Variant Classification Sherloc (09022015). Collection method: clinical testing. Allele origin: germline.

Breakthrough Genomics
Classification: Benign. Review status: criteria provided, single submitter. Criteria: ACMG Guidelines, 2015. Collection method: not provided. Allele origin: germline. Inheritance: Autosomal dominant inheritance. Affected: yes.

PreventionGenetics, part of Exact Sciences
Classification: Benign for TUBA4A-related condition. Last evaluated: 2021-05-10. Review status: no assertion criteria provided. Collection method: clinical testing. Allele origin: germline. Not counted in ClinVar's aggregate classification.
Comment: This variant is classified as benign based on ACMG/AMP sequence variant interpretation guidelines (Richards et al. 2015 PMID: 25741868, with internal and published modifications).

Clinical Genetics, Academic Medical Center
Classification: Likely benign. Review status: no assertion criteria provided. Collection method: clinical testing. Allele origin: germline. Affected: yes. Study: VKGL Data-share Consensus. Not counted in ClinVar's aggregate classification.

Department of Pathology and Laboratory Medicine, Sinai Health System
Classification: Likely benign. Review status: no assertion criteria provided. Collection method: clinical testing. Allele origin: unknown. Affected: yes. Study: The Canadian Open Genetics Repository (COGR). Not counted in ClinVar's aggregate classification.
Comment: The TUBA4A p.Val288Val variant was not identified in the literature nor was it identified in ClinVar. The variant was identified in dbSNP (ID: rs141922502) and was identified in control databases in 1286 of 282890 chromosomes (7 homozygous) at a frequency of 0.004546 increasing the likelihood this could be a low frequency benign variant (Genome Aggregation Database March 6, 2019, v2.1.1). The variant was observed in the following populations: Ashkenazi Jewish in 75 of 10370 chromosomes (freq: 0.007232), European (non-Finnish) in 902 of 129194 chromosomes (freq: 0.006982), Other in 36 of 7228 chromosomes (freq: 0.004981), European (Finnish) in 83 of 25124 chromosomes (freq: 0.003304), Latino in 108 of 35440 chromosomes (freq: 0.003047), East Asian in 33 of 19954 chromosomes (freq: 0.001654), African in 25 of 24964 chromosomes (freq: 0.001001) and South Asian in 24 of 30616 chromosomes (freq: 0.000784). The p.Val288Val variant is not expected to have clinical significance because it does not result in a change of amino acid and is not located in a known consensus splice site. The variant occurs outside of the splicing consensus sequence and four of four in silico or computational prediction software programs (SpliceSiteFinder, MaxEntScan, NNSPLICE, GeneSplicer) predict a greater than 10% difference in splicing. However, this has not been confirmed by RNA analysis and is not predictive enough to assume pathogenicity. In summary, based on the above information the clinical significance of this variant cannot be determined with certainty at this time although we would lean towards a more benign role for this variant. This variant is classified as likely benign.

Genome Diagnostics Laboratory, University Medical Center Utrecht
Classification: Benign. Review status: no assertion criteria provided. Collection method: clinical testing. Allele origin: germline. Affected: yes. Study: VKGL Data-share Consensus. Not counted in ClinVar's aggregate classification.

Literature cited by the submitters: PubMed 26465396 (cited by Mayo Clinic Laboratories, Mayo Clinic); PubMed 26675813 (cited by Mayo Clinic Laboratories, Mayo Clinic).